The following is an entry in ClinVar:

ClinVar aggregate classification (germline): Uncertain significance. Review status: criteria provided, multiple submitters, no conflicts (2 of 4 stars). 2 submissions from 2 submitters: Uncertain significance (2). Last evaluated 2024-11-21.

gnomAD v4.1: 4 of 1,612,640 alleles (0.00025%); highest among the groups gnomAD compares: South Asian, 0.0033%; no homozygotes.

Submissions (2):

Ambry Genetics
Classification: Uncertain significance. Last evaluated: 2024-11-21. Review status: criteria provided, single submitter. Criteria: Ambry Variant Classification Scheme 2023. Collection method: clinical testing. Allele origin: germline.

Labcorp Genetics (formerly Invitae), Labcorp
Classification: Uncertain significance. Last evaluated: 2024-07-01. Review status: criteria provided, single submitter. Criteria: Invitae Variant Classification Sherloc (09022015). Collection method: clinical testing. Allele origin: germline.
Comment: This sequence change replaces proline, which is neutral and non-polar, with alanine, which is neutral and non-polar, at codon 117 of the POLE2 protein (p.Pro117Ala). This variant is present in population databases (no rsID available, gnomAD 0.003%). This variant has not been reported in the literature in individuals affected with POLE2-related conditions. An algorithm developed to predict the effect of missense changes on protein structure and function (PolyPhen-2) suggests that this variant is likely to be tolerated. In summary, the available evidence is currently insufficient to determine the role of this variant in disease. Therefore, it has been classified as a Variant of Uncertain Significance.

NM_002692.4(POLE2):c.349C>G (p.Pro117Ala)

Gene: POLE2 (DNA polymerase epsilon 2, accessory subunit; minus strand). Cytogenetic location: 14q21.3.
Variant type: single nucleotide variant.
Coding change: c.349C>G on transcript NM_002692.4 (MANE Select); coding-DNA position 349, C replaced by G.
Protein change: p.Pro117Ala; replaces proline 117 with alanine.
Molecular consequence: missense variant.
Genome position (GRCh38, 1-based): chr14:49,674,191, G>C on the plus strand (C>G on the coding strand, the complement: POLE2 is on the minus strand). VCF-style: chr14-49674191-G-C. GRCh37 (hg19) VCF-style: chr14-50140909-G-C.
Other names: c.349C>G (NM_002692.3); c.271C>G, p.Pro91Ala (NM_001197330.2); c.349C>G, p.Pro117Ala (NM_001197331.3, NM_001348384.2); c.118C>G, p.Pro40Ala (NM_001348385.2); short protein forms P117A, P91A, P40A.
Identifiers: ClinVar variation 2984424 (VCV002984424.4), dbSNP rs766688419, ClinGen allele CA389611983.